The following is an entry in ClinVar:

NM_000091.5(COL4A3):c.253G>T (p.Gly85Ter)

Genes: COL4A3 (collagen type IV alpha 3 chain; plus strand), MFF-DT (MFF divergent transcript; minus strand). Cytogenetic location: 2q36.3.
Variant type: single nucleotide variant.
Coding change: c.253G>T on transcript NM_000091.5 (MANE Select); coding-DNA position 253, G replaced by T.
Protein change: p.Gly85Ter; replaces glycine 85 with a stop codon.
Molecular consequence: nonsense.
Genome position (GRCh38, 1-based): chr2:227,244,338, G>T. VCF-style: chr2-227244338-G-T. GRCh37 (hg19) VCF-style: chr2-228109054-G-T.
Other names: short protein forms G85*.
Identifiers: ClinVar variation 1071261 (VCV001071261.7), dbSNP rs2125904394, ClinGen allele CA350860607.

ClinVar aggregate classification (germline): Pathogenic (1 of 4 stars; one submission).

Submission:

Labcorp Genetics (formerly Invitae), Labcorp
Classification: Pathogenic. Last evaluated: 2022-02-03. Review status: criteria provided, single submitter. Criteria: Invitae Variant Classification Sherloc (09022015). Collection method: clinical testing. Allele origin: germline.
Comment: For these reasons, this variant has been classified as Pathogenic. ClinVar contains an entry for this variant (Variation ID: 1071261). This variant has not been reported in the literature in individuals affected with COL4A3-related conditions. This variant is not present in population databases (gnomAD no frequency). This sequence change creates a premature translational stop signal (p.Gly85*) in the COL4A3 gene. It is expected to result in an absent or disrupted protein product. Loss-of-function variants in COL4A3 are known to be pathogenic (PMID: 8956999, 24854265, 26809805, 27281700).

Literature cited by the submitters: PubMed 8956999; PubMed 24854265; PubMed 26809805; PubMed 27281700.